The following is an entry in ClinVar:

NM_000372.5(TYR):c.131G>A (p.Ser44Asn)

Gene: TYR (tyrosinase; plus strand). Cytogenetic location: 11q14.3.
Variant type: single nucleotide variant.
Coding change: c.131G>A on transcript NM_000372.5 (MANE Select); coding-DNA position 131, G replaced by A.
Protein change: p.Ser44Asn; replaces serine 44 with asparagine.
Molecular consequence: missense variant.
Genome position (GRCh38, 1-based): chr11:89,178,084, G>A. VCF-style: chr11-89178084-G-A. GRCh37 (hg19) VCF-style: chr11-88911252-G-A.
Other names: short protein forms S44N.
Identifiers: ClinVar variation 3357471 (VCV003357471.3).

ClinVar aggregate classification (germline): Likely pathogenic. Review status: criteria provided, single submitter (1 of 4 stars). 2 submissions from 2 submitters: Likely pathogenic (1). 1 of the submissions does not count toward it. Last evaluated 2024-05-07.

Conditions:
TYR-related disorder. Also called: TYR-related condition.

Submissions (2):

Labcorp Genetics (formerly Invitae), Labcorp
Classification: Likely pathogenic. Last evaluated: 2024-05-07. Review status: criteria provided, single submitter. Criteria: Invitae Variant Classification Sherloc (09022015). Collection method: clinical testing. Allele origin: germline.
Comment: This sequence change replaces serine, which is neutral and polar, with asparagine, which is neutral and polar, at codon 44 of the TYR protein (p.Ser44Asn). This variant is not present in population databases (gnomAD no frequency). This missense change has been observed in individual(s) with oculocutaneous albinism (PMID: 24461674; Invitae). In at least one individual the data is consistent with being in trans (on the opposite chromosome) from a pathogenic variant. Advanced modeling of protein sequence and biophysical properties (such as structural, functional, and spatial information, amino acid conservation, physicochemical variation, residue mobility, and thermodynamic stability) has been performed at Invitae for this missense variant, however the output from this modeling did not meet the statistical confidence thresholds required to predict the impact of this variant on TYR protein function. This variant disrupts the p.Ser44 amino acid residue in TYR. Other variant(s) that disrupt this residue have been determined to be pathogenic (PMID: 15146472, 25703744; Invitae). This suggests that this residue is clinically significant, and that variants that disrupt this residue are likely to be disease-causing. In summary, the currently available evidence indicates that the variant is pathogenic, but additional data are needed to prove that conclusively. Therefore, this variant has been classified as Likely Pathogenic.

PreventionGenetics, part of Exact Sciences
Classification: Likely pathogenic for TYR-related condition. Last evaluated: 2024-08-11. Review status: no assertion criteria provided. Collection method: clinical testing. Allele origin: germline. Not counted in ClinVar's aggregate classification.
Comment: The TYR c.131G>A variant is predicted to result in the amino acid substitution p.Ser44Asn. This variant has been reported in the compound heterozygous state in an individual with oculocutaneous albinism (Okamura et al. 2014. PubMed ID: 24461674). Alternate substitutions of this amino acid residue (p.Ser44Arg and p.Ser44Gly) have also been reported in individuals with oculocutaneous albinism (Opitz et al. 2004. PubMed ID: 15146472; Shah et al. 2015. PubMed ID: 25703744). This variant has not been reported in the large population database gnomAD, indicating this variant is rare. Given the evidence, we interpret this variant as likely pathogenic.

Literature cited by the submitters: PubMed 24461674 (cited by Labcorp Genetics (formerly Invitae), Labcorp); PubMed 15146472 (cited by Labcorp Genetics (formerly Invitae), Labcorp); PubMed 25703744 (cited by Labcorp Genetics (formerly Invitae), Labcorp).